The following is an entry in ClinVar:

NM_172107.4(KCNQ2):c.1662G>T (p.Lys554Asn)

Gene: KCNQ2 (potassium voltage-gated channel subfamily Q member 2; minus strand). Cytogenetic location: 20q13.33.
Variant type: single nucleotide variant.
Coding change: c.1662G>T on transcript NM_172107.4 (MANE Select); coding-DNA position 1662, G replaced by T.
Protein change: p.Lys554Asn; replaces lysine 554 with asparagine.
Molecular consequence: missense variant.
Genome position (GRCh38, 1-based): chr20:63,413,551, C>A on the plus strand (G>T on the coding strand, the complement: KCNQ2 is on the minus strand). VCF-style: chr20-63413551-C-A. GRCh37 (hg19) VCF-style: chr20-62044904-C-A.
Other names: c.1578G>T, p.Lys526Asn (NM_004518.6); c.1608G>T, p.Lys536Asn (NM_172106.3); c.1569G>T, p.Lys523Asn (NM_172108.5); short protein forms K526N, K523N, K536N, K554N.
Identifiers: ClinVar variation 7388 (VCV000007388.31), dbSNP rs267607198, ClinGen allele CA129072.

ClinVar aggregate classification (germline): Pathogenic. Review status: criteria provided, single submitter (1 of 4 stars). 4 submissions from 3 submitters: Pathogenic (1). 3 of the submissions do not count toward it. Last evaluated 2022-09-01.

Conditions:
Developmental and epileptic encephalopathy, 7 (DEE7). Also called: KCNQ2-Related Neonatal-Onset Developmental and Epileptic Encephalopathy (NEO-DEE); KCNQ2-Related Neonatal Epileptic Encephalopathy; Early infantile epileptic encephalopathy 7. Identifiers: Orphanet 439218, MedGen C3150986, MONDO:0013387, OMIM 613720.
Seizures, benign familial neonatal, 2. Also called: CONVULSIONS, BENIGN FAMILIAL NEONATAL, 2; Seizures, benign neonatal, 2; KCNQ3-Related Benign Familial Neonatal Epilepsy; KCNQ3-Related Self-Limited Familial Neonatal Epilepsy (SLFNE); Benign Neonatal Epilepsy 2. Identifiers: Orphanet 1949, MedGen C1852581, MONDO:0007366, OMIM 121201.
Seizures, benign familial neonatal, 1. Also called: Seizures, benign neonatal, 1; KCNQ2-Related Self-Limited Familial Neonatal Epilepsy (SLFNE); KCNQ2-Related Benign Familial Neonatal Epilepsy; Benign Neonatal Epilepsy 1. Identifiers: Orphanet 1949, MedGen C3149074, MONDO:0007365, OMIM 121200.

Submissions (4):

CeGaT Center for Human Genetics Tuebingen
Classification: Pathogenic. Last evaluated: 2022-09-01. Review status: criteria provided, single submitter. Criteria: CeGaT Center For Human Genetics Tuebingen Variant Classification Criteria Version 2. Collection method: clinical testing. Allele origin: germline. Affected: yes. Observed: 1 variant allele.
Comment: KCNQ2: PS3, PM2, PS4:Moderate, PP2, PP3, PP4

GeneReviews
Classification: Pathogenic for Seizures, benign familial neonatal, 2. Last evaluated: 2016-03-31. Review status: no assertion criteria provided. Collection method: literature only. Allele origin: germline. Affected: yes. Not counted in ClinVar's aggregate classification.
Comment: Uncertain severity. 2/4 therapy-resistant seizures and intellectual disability.

Functional effect: Slight rightward shift in current voltage-dependence; no effect on maximal current amplitude

OMIM
Classification: Pathogenic for SEIZURES, BENIGN FAMILIAL NEONATAL, 1. Last evaluated: 2004-07-13. Review status: no assertion criteria provided. Collection method: literature only. Allele origin: germline. Not counted in ClinVar's aggregate classification.

OMIM
Classification: Pathogenic for DEVELOPMENTAL AND EPILEPTIC ENCEPHALOPATHY 7. Last evaluated: 2004-07-13. Review status: no assertion criteria provided. Collection method: literature only. Allele origin: germline. Not counted in ClinVar's aggregate classification.

Literature cited by the submitters: PubMed 15249611 (cited by GeneReviews and OMIM).